The following is an entry in ClinVar:

ClinVar aggregate classification (germline): Benign/Likely benign. Review status: criteria provided, multiple submitters, no conflicts (2 of 4 stars). 9 submissions from 8 submitters: Benign (8); Likely benign (1). Last evaluated 2026-02-01.

Conditions:
DNA ligase IV deficiency. Identifiers: Orphanet 99812, MedGen C1847827, MONDO:0011686, OMIM 606593.
Severe combined immunodeficiency due to DCLRE1C deficiency (RS-SCID). Also called: SCID, AUTOSOMAL RECESSIVE, T CELL-NEGATIVE, B CELL-NEGATIVE, NK CELL-POSITIVE, WITH SENSITIVITY TO IONIZING RADIATION. Identifiers: Orphanet 275, MedGen C1865371, MONDO:0011225, OMIM 602450.

Allele frequency attached by ClinVar (database versions not stated): gnomAD exomes 0.00164 and 0.00057; 1000 Genomes Project 0.00459; gnomAD 0.00553 and 0.00599; ESP Exome Variant Server 0.00661; ExAC 0.00193; TOPMed 0.00654; 1000 Genomes Project 30x 0.00484.
gnomAD v4.1: 1,719 of 1,614,084 alleles (0.11%); highest among the groups gnomAD compares: African/African-American, 1.9%; 17 homozygotes.

Submissions (9):

Labcorp Genetics (formerly Invitae), Labcorp
Classification: Benign for DNA ligase IV deficiency. Last evaluated: 2026-02-01. Review status: criteria provided, single submitter. Criteria: Invitae Variant Classification Sherloc (09022015). Collection method: clinical testing. Allele origin: germline.

Women's Health and Genetics/Laboratory Corporation of America, LabCorp
Classification: Likely benign. Last evaluated: 2026-01-22. Review status: criteria provided, single submitter. Criteria: LabCorp Variant Classification Summary - May 2015. Collection method: clinical testing. Allele origin: germline.

Mayo Clinic Laboratories, Mayo Clinic
Classification: Benign. Last evaluated: 2025-04-30. Review status: criteria provided, single submitter. Criteria: ACMG Guidelines, 2015. Collection method: clinical testing. Allele origin: germline. Observed: 4 variant alleles.
Comment: BS1, BS2, BP4

KCCC/NGS Laboratory, Kuwait Cancer Control Center
Classification: Benign for DNA ligase IV deficiency. Last evaluated: 2023-07-07. Review status: criteria provided, single submitter. Criteria: ACMG Guidelines, 2015. Collection method: clinical testing. Allele origin: germline. Affected: yes.

Illumina Laboratory Services, Illumina
Classification: Benign for Severe combined immunodeficiency due to DCLRE1C deficiency. Last evaluated: 2018-01-13. Review status: criteria provided, single submitter. Criteria: ICSL Variant Classification Criteria 13 December 2019. Collection method: clinical testing. Allele origin: germline.
Comment: This variant was observed in the ICSL laboratory as part of a predisposition screen in an ostensibly healthy population. It had not been previously curated by ICSL or reported in the Human Gene Mutation Database (HGMD: prior to June 1st, 2018), and was therefore a candidate for classification through an automated scoring system. Utilizing variant allele frequency, disease prevalence and penetrance estimates, and inheritance mode, an automated score was calculated to assess if this variant is too frequent to cause the disease. Based on the score and internal cut-off values, a variant classified as benign is not then subjected to further curation. The score for this variant resulted in a classification of benign for this disease.

Illumina Laboratory Services, Illumina
Classification: Benign for DNA ligase IV deficiency. Last evaluated: 2018-01-13. Review status: criteria provided, single submitter. Criteria: ICSL Variant Classification Criteria 13 December 2019. Collection method: clinical testing. Allele origin: germline.
Comment: the same text as in the submission from Illumina Laboratory Services, Illumina above.

Genetic Services Laboratory, University of Chicago
Classification: Benign. Last evaluated: 2015-10-29. Review status: criteria provided, single submitter. Criteria: ACMG Guidelines, 2015. Collection method: clinical testing. Allele origin: germline. Affected: no.

GeneDx
Classification: Benign. Last evaluated: 2015-08-28. Review status: criteria provided, single submitter. Criteria: GeneDx Variant Classification (06012015). Collection method: clinical testing. Allele origin: germline. Affected: yes.
Comment: This variant is considered likely benign or benign based on one or more of the following criteria: it is a conservative change, it occurs at a poorly conserved position in the protein, it is predicted to be benign by multiple in silico algorithms, and/or has population frequency not consistent with disease.

Breakthrough Genomics
Classification: Benign. Review status: criteria provided, single submitter. Criteria: ACMG Guidelines, 2015. Collection method: not provided. Allele origin: germline. Inheritance: Autosomal recessive inheritance. Affected: yes.

NM_206937.2(LIG4):c.1798G>A (p.Glu600Lys)

Gene: LIG4 (DNA ligase 4; minus strand). Cytogenetic location: 13q33.3.
Variant type: single nucleotide variant.
Coding change: c.1798G>A on transcript NM_206937.2 (MANE Select); coding-DNA position 1798, G replaced by A.
Protein change: p.Glu600Lys; replaces glutamic acid 600 with lysine.
Molecular consequence: missense variant.
Genome position (GRCh38, 1-based): chr13:108,209,471, C>T on the plus strand (G>A on the coding strand, the complement: LIG4 is on the minus strand). VCF-style: chr13-108209471-C-T. GRCh37 (hg19) VCF-style: chr13-108861819-C-T.
Other names: p.Glu600Lys; c.1798G>A (NM_206937.1); c.1798G>A, p.Glu600Lys (NM_001098268.2, NM_001352598.2, NM_001352599.2 and 6 more transcripts); c.1597G>A, p.Glu533Lys (NM_001330595.2); c.1834G>A, p.Glu612Lys (NM_001352604.2); short protein forms E600K, E612K, E533K.
Identifiers: ClinVar variation 211373 (VCV000211373.23), dbSNP rs61731910, ClinGen allele CA209412.
Genomic context (GRCh38, chr13:108,209,471, plus strand): 5'-CACCACCTATATAAAGGTGTTTAGATGCGAGCTTACCAGATGCCTTCCCCCTAAGTTGTT[C>T]TAGGTCGTCCAGGGTCATGCACTCATGCCACTCCTTGTCATCTCTTATCTTTTCAATTCG-3'
Protein context (NP_996820.1, residues 590-610): WHECMTLDDL[Glu600Lys]QLRGKASGKL